The following is an entry in ClinVar:

NM_001194958.2(KCNJ18):c.171C>T (p.Phe57=)

Gene: KCNJ18 (potassium inwardly rectifying channel subfamily J member 18; plus strand). Cytogenetic location: 17p11.2.
Variant type: single nucleotide variant.
Coding change: c.171C>T on transcript NM_001194958.2 (MANE Select); coding-DNA position 171, C replaced by T.
Protein change: p.Phe57=; no amino-acid change (phenylalanine 57 retained).
Molecular consequence: synonymous variant.
Genome position (GRCh38, 1-based): chr17:21,702,957, C>T. VCF-style: chr17-21702957-C-T.
Identifiers: ClinVar variation 3048042 (VCV003048042.1), dbSNP rs1274704146, ClinGen allele CA727080113.

ClinVar aggregate classification (germline): Likely benign (1 of 4 stars; one submission).

Conditions:
KCNJ18-related disorder. Also called: KCNJ18-related condition.

Allele frequency attached by ClinVar (database versions not stated): gnomAD exomes 0.00002; gnomAD 0.00004; TOPMed 0.00004.
gnomAD v4.1: 37 of 1,587,412 alleles (0.0023%); highest among the groups gnomAD compares: Admixed American, 0.023%; no homozygotes.

Submission:

PreventionGenetics, part of Exact Sciences
Classification: Likely benign for KCNJ18-related condition. Last evaluated: 2019-12-17. Review status: criteria provided, single submitter. Criteria: ACMG Guidelines, 2015. Collection method: clinical testing. Allele origin: germline.
Comment: This variant is classified as likely benign based on ACMG/AMP sequence variant interpretation guidelines (Richards et al. 2015 PMID: 25741868, with internal and published modifications).